The following is an entry in ClinVar:

NM_001369.3(DNAH5):c.6379_6381delinsGACACTCAGCA (p.Asn2127fs)

Gene: DNAH5 (dynein axonemal heavy chain 5; minus strand). Cytogenetic location: 5p15.2.
Variant type: Indel.
Coding change: c.6379_6381delinsGACACTCAGCA on transcript NM_001369.3 (MANE Select); coding-DNA positions 6379 to 6381, AAC replaced by GACACTCAGCA.
Protein change: p.Asn2127fs; shifts the reading frame from asparagine 2127.
Molecular consequence: frameshift variant.
Genome position (GRCh38, 1-based): chr5:13,829,573-13,829,575, GTT replaced by TGCTGAGTGTC on the plus strand (AAC replaced by GACACTCAGCA on the coding strand, the reverse complement: DNAH5 is on the minus strand). VCF-style: chr5-13829573-GTT-TGCTGAGTGTC. GRCh37 (hg19) VCF-style: chr5-13829682-GTT-TGCTGAGTGTC.
Other names: short protein forms N2127fs.
Identifiers: ClinVar variation 1724170 (VCV001724170.2), dbSNP rs2546875647, ClinGen allele CA2580072031.

ClinVar aggregate classification (germline): Likely pathogenic (1 of 4 stars; one submission).

Conditions:
Primary ciliary dyskinesia 3. Identifiers: Orphanet 244, MedGen C1837618, MONDO:0012085, OMIM 608644.

Submission:

Myriad Genetics, Inc.
Classification: Likely pathogenic for Primary ciliary dyskinesia 3. Last evaluated: 2022-01-28. Review status: criteria provided, single submitter. Criteria: Myriad Women's Health Autosomal Recessive and X-Linked Classification Criteria (2021). Collection method: clinical testing. Allele origin: unknown.
Comment: NM_001369.2(DNAH5):c.6379_6381del3ins11(N2127Dfs*65) is expected to be pathogenic in the context of DNAH5-related primary ciliary dyskinesia. This variant is predicted to lead to an abnormal or absent protein product due to the creation of a premature termination codon in DNAH5, a gene where loss-of-function variants are known to be pathogenic. Please note: this variant was assessed in the context of healthy population screening.